The following is an entry in ClinVar:

ClinVar aggregate classification (germline): Uncertain significance. Review status: criteria provided, multiple submitters, no conflicts (2 of 4 stars). 2 submissions from 2 submitters: Uncertain significance (2). Last evaluated 2021-11-15.

Conditions:
Inborn genetic diseases. Identifiers: MedGen C0950123, MeSH D030342.

Allele frequency attached by ClinVar (database versions not stated): TOPMed below 0.00001; ExAC 0.00002; gnomAD exomes 0.00003.
gnomAD v4.1: 26 of 1,608,220 alleles (0.0016%); highest among the groups gnomAD compares: South Asian, 0.02%; no homozygotes.

Submissions (2):

Ambry Genetics
Classification: Uncertain significance for Inborn genetic diseases. Last evaluated: 2021-11-15. Review status: criteria provided, single submitter. Criteria: Ambry Variant Classification Scheme 2023. Collection method: clinical testing. Allele origin: germline.

Labcorp Genetics (formerly Invitae), Labcorp
Classification: Uncertain significance. Last evaluated: 2021-09-02. Review status: criteria provided, single submitter. Criteria: Invitae Variant Classification Sherloc (09022015). Collection method: clinical testing. Allele origin: germline.
Comment: This sequence change replaces histidine with arginine at codon 27 of the SNX10 protein (p.His27Arg). The histidine residue is highly conserved and there is a small physicochemical difference between histidine and arginine. This variant is present in population databases (rs753010873, ExAC 0.02%). This variant has not been reported in the literature in individuals affected with SNX10-related conditions. Algorithms developed to predict the effect of missense changes on protein structure and function are either unavailable or do not agree on the potential impact of this missense change (SIFT: "Deleterious"; PolyPhen-2: "Benign"; Align-GVGD: "Class C0"). In summary, the available evidence is currently insufficient to determine the role of this variant in disease. Therefore, it has been classified as a Variant of Uncertain Significance.

NM_013322.3(SNX10):c.80A>G (p.His27Arg)

Gene: SNX10 (sorting nexin 10; plus strand). Cytogenetic location: 7p15.2.
Variant type: single nucleotide variant.
Coding change: c.80A>G on transcript NM_013322.3 (MANE Select); coding-DNA position 80, A replaced by G.
Protein change: p.His27Arg; replaces histidine 27 with arginine.
Molecular consequence: missense variant.
Genome position (GRCh38, 1-based): chr7:26,361,030, A>G. VCF-style: chr7-26361030-A-G. GRCh37 (hg19) VCF-style: chr7-26400650-A-G.
Other names: c.80A>G, p.His27Arg (NM_001199835.1, NM_001318199.3); c.71A>G, p.His24Arg (NM_001199837.3); c.158A>G, p.His53Arg (NM_001318198.1, NM_001362753.1, NM_001362754.1); short protein forms H27R, H53R, H24R.
Identifiers: ClinVar variation 1497540 (VCV001497540.6), dbSNP rs753010873, ClinGen allele CA4195166.